The following is an entry in ClinVar:

ClinVar aggregate classification (germline): Uncertain significance. Review status: criteria provided, multiple submitters, no conflicts (2 of 4 stars). 3 submissions from 3 submitters: Uncertain significance (2). 1 of the submissions does not count toward it. Last evaluated 2025-04-17.

Conditions:
PRPH2-related disorder. Also called: PRPH2-related condition; PRPH2-related disorders. Identifiers: MedGen CN239395.
Cone-rod dystrophy. Also called: Cone/cone-rod dystrophy; Cone-rod degeneration. Identifiers: Orphanet 1872, MedGen C4085590, MONDO:0015993, HP:0000548.

Allele frequency attached by ClinVar (database versions not stated): ExAC 0.00002; gnomAD exomes 0.00001 and 0.00002.
gnomAD v4.1: 20 of 1,613,842 alleles (0.0012%); highest among the groups gnomAD compares: South Asian, 0.022%; 1 homozygote.

Submissions (3):

Labcorp Genetics (formerly Invitae), Labcorp
Classification: Uncertain significance for PRPH2-related disorder. Last evaluated: 2025-04-17. Review status: criteria provided, single submitter. Criteria: Invitae Variant Classification Sherloc (09022015). Collection method: clinical testing. Allele origin: germline.
Comment: This sequence change replaces proline, which is neutral and non-polar, with serine, which is neutral and polar, at codon 313 of the PRPH2 protein (p.Pro313Ser). This variant is present in population databases (rs746742888, gnomAD 0.02%). This missense change has been observed in individual(s) with cone-rod dystrophy (PMID: 32531846). ClinVar contains an entry for this variant (Variation ID: 973723). Invitae Evidence Modeling of protein sequence and biophysical properties (such as structural, functional, and spatial information, amino acid conservation, physicochemical variation, residue mobility, and thermodynamic stability) indicates that this missense variant is not expected to disrupt PRPH2 protein function with a negative predictive value of 95%. In summary, the available evidence is currently insufficient to determine the role of this variant in disease. Therefore, it has been classified as a Variant of Uncertain Significance.

NEI Ophthalmic Genomics Laboratory, National Institutes of Health
Classification: Uncertain significance for Cone-rod dystrophy. Last evaluated: 2020-01-07. Review status: criteria provided, single submitter. Criteria: ACMG Guidelines, 2015. Collection method: clinical testing. Allele origin: germline. Affected: yes.
Comment: The variant NM_000322.4:c.937C>T in the PRPH2 gene has not been reported to our knowledge . This variant is listed in dbSNP and/or HGMD (rs746742888). It is present in gnomAD browser (AF 0.0000203). This variant is not already listed in ClinVar. It is not enriched in the PRPH2 disease cohort. We invoked ACMG criteria [PM2, BP4] and classified NM_000322.4:c.937C>T in the PRPH2 gene as a Variant of Uncertain Significance.

Leiden Open Variation Database
Classification: Uncertain significance. Last evaluated: 2021-04-06. Review status: no assertion criteria provided. Collection method: curation. Allele origin: germline. Affected: yes. Not counted in ClinVar's aggregate classification.
Comment: Curator: Global Variome, with Curator vacancy. Submitter to LOVD: Manon Peeters.

Literature cited by the submitters: PubMed 32531846 (cited by Labcorp Genetics (formerly Invitae), Labcorp and Leiden Open Variation Database).

NM_000322.5(PRPH2):c.937C>T (p.Pro313Ser)

Gene: PRPH2 (peripherin 2; minus strand). Cytogenetic location: 6p21.1.
Variant type: single nucleotide variant.
Coding change: c.937C>T on transcript NM_000322.5 (MANE Select); coding-DNA position 937, C replaced by T.
Protein change: p.Pro313Ser; replaces proline 313 with serine.
Molecular consequence: missense variant.
Genome position (GRCh38, 1-based): chr6:42,698,399, G>A on the plus strand (C>T on the coding strand, the complement: PRPH2 is on the minus strand). VCF-style: chr6-42698399-G-A. GRCh37 (hg19) VCF-style: chr6-42666137-G-A.
Other names: short protein forms P313S.
Identifiers: ClinVar variation 973723 (VCV000973723.3), dbSNP rs746742888, ClinGen allele CA3808475.